The following is an entry in ClinVar:

NM_006939.4(SOS2):c.357G>A (p.Gly119=)

Gene: SOS2 (SOS Ras/Rho guanine nucleotide exchange factor 2; minus strand). Cytogenetic location: 14q21.3.
Variant type: single nucleotide variant.
Coding change: c.357G>A on transcript NM_006939.4 (MANE Select); coding-DNA position 357, G replaced by A.
Protein change: p.Gly119=; no amino-acid change (glycine 119 retained).
Molecular consequence: synonymous variant.
Genome position (GRCh38, 1-based): chr14:50,199,844, C>T on the plus strand (G>A on the coding strand, the complement: SOS2 is on the minus strand). VCF-style: chr14-50199844-C-T. GRCh37 (hg19) VCF-style: chr14-50666562-C-T.
Identifiers: ClinVar variation 718034 (VCV000718034.8), dbSNP rs749639774, ClinGen allele CA7177536.

ClinVar aggregate classification (germline): Conflicting classifications of pathogenicity. Review status: criteria provided, conflicting classifications (1 of 4 stars). 2 submissions from 2 submitters: Uncertain significance (1); Likely benign (1). Last evaluated 2026-08-04.

Conditions:
Cardiovascular phenotype. Identifiers: MedGen CN230736.
Noonan syndrome 9 (NS9). Identifiers: Orphanet 648, MedGen C4225282, MONDO:0014691, OMIM 616559.

Allele frequency attached by ClinVar (database versions not stated): gnomAD exomes below 0.00001 and 0.00001; ExAC 0.00001; gnomAD 0.00001; TOPMed 0.00001.
gnomAD v4.1: 17 of 1,565,316 alleles (0.0011%); highest among the groups gnomAD compares: Non-Finnish European, 0.0015%; no homozygotes.

Submissions (2):

Ambry Genetics
Classification: Uncertain significance for Cardiovascular phenotype. Last evaluated: 2026-08-04. Review status: criteria provided, single submitter. Criteria: Ambry Variant Classification Scheme 2023. Collection method: clinical testing. Allele origin: germline.
Comment: The c.357G>A variant (also known as p.G119G), located in coding exon 4 of the SOS2 gene, results from a G to A substitution at nucleotide position 357. This nucleotide substitution does not change the amino acid at codon 119. This nucleotide position is not well conserved in available vertebrate species. In silico splice site analysis for this alteration is inconclusive. Based on the available evidence, the clinical significance of this variant remains unclear.

Labcorp Genetics (formerly Invitae), Labcorp
Classification: Likely benign for Noonan syndrome 9. Last evaluated: 2025-12-20. Review status: criteria provided, single submitter. Criteria: Invitae Variant Classification Sherloc (09022015). Collection method: clinical testing. Allele origin: germline.